The following is an entry in ClinVar:

NM_000330.4(RS1):c.617G>C (p.Trp206Ser)

Genes: CDKL5 (cyclin dependent kinase like 5; plus strand), RS1 (retinoschisin 1; minus strand). Cytogenetic location: Xp22.13.
Variant type: single nucleotide variant.
Coding change: c.617G>C on transcript NM_000330.4 (MANE Select); coding-DNA position 617, G replaced by C.
Protein change: p.Trp206Ser; replaces tryptophan 206 with serine.
Molecular consequence: missense variant. On other transcripts: intron variant (2).
Genome position (GRCh38, 1-based): chrX:18,642,062, C>G on the plus strand (G>C on the coding strand, the complement: RS1 is on the minus strand). VCF-style: chrX-18642062-C-G. GRCh37 (hg19) VCF-style: chrX-18660182-C-G.
Other names: c.2714-3945C>G (NM_003159.3, NM_001037343.2); short protein forms W206S.
Identifiers: ClinVar variation 1486943 (VCV001486943.9), dbSNP rs2147188942, ClinGen allele CA412370231.
Genomic context (GRCh38, chrX:18,642,062, plus strand): 5'-CATCAGGCACACTTGCTGACGCACTCCAGCAGCTCCATCCGGATGGCAATGCGGACGTGC[C>G]AGCCCAGCGGGATGAGGCGGATGAAGCGGGAGATGATGGGGGGCCGCAGCAGGTTCTGAA-3'
Protein context (NP_000321.1, residues 196-216): SRFIRLIPLG[Trp206Ser]HVRIAIRMEL

ClinVar aggregate classification (germline): Likely pathogenic. Review status: criteria provided, single submitter (1 of 4 stars). 2 submissions from 2 submitters: Likely pathogenic (1). 1 of the submissions does not count toward it. Last evaluated 2025-01-15.

Conditions:
Retinal dystrophy. Also called: Inherited retinal dystrophy. Identifiers: Orphanet 71862, MedGen C0854723, MeSH D058499, MONDO:0019118, HP:0000556.

Submissions (2):

Labcorp Genetics (formerly Invitae), Labcorp
Classification: Likely pathogenic. Last evaluated: 2025-01-15. Review status: criteria provided, single submitter. Criteria: Invitae Variant Classification Sherloc (09022015). Collection method: clinical testing. Allele origin: germline.
Comment: This sequence change replaces tryptophan, which is neutral and slightly polar, with serine, which is neutral and polar, at codon 206 of the RS1 protein (p.Trp206Ser). This variant is not present in population databases (gnomAD no frequency). This variant has not been reported in the literature in individuals affected with RS1-related conditions. ClinVar contains an entry for this variant (Variation ID: 1486943). Invitae Evidence Modeling of protein sequence and biophysical properties (such as structural, functional, and spatial information, amino acid conservation, physicochemical variation, residue mobility, and thermodynamic stability) indicates that this missense variant is expected to disrupt RS1 protein function with a positive predictive value of 95%. This variant disrupts the p.Trp206 amino acid residue in RS1. Other variant(s) that disrupt this residue have been determined to be pathogenic (PMID: 17631851; internal data). This suggests that this residue is clinically significant, and that variants that disrupt this residue are likely to be disease-causing. In summary, the currently available evidence indicates that the variant is pathogenic, but additional data are needed to prove that conclusively. Therefore, this variant has been classified as Likely Pathogenic.

Institute of Human Genetics, Univ. Regensburg, Univ. Regensburg
Classification: Likely pathogenic for Retinal dystrophy. Last evaluated: 2021-01-01. Review status: no assertion criteria provided. Criteria: ACMG Guidelines, 2015. Collection method: clinical testing. Allele origin: germline. Affected: yes. Not counted in ClinVar's aggregate classification.

Literature cited by the submitters: PubMed 17631851 (cited by Labcorp Genetics (formerly Invitae), Labcorp).